The following is an entry in ClinVar:

ClinVar aggregate classification (germline): Uncertain significance. Review status: criteria provided, multiple submitters, no conflicts (2 of 4 stars). 2 submissions from 2 submitters: Uncertain significance (2). Last evaluated 2026-02-02.

Conditions:
T-B+ severe combined immunodeficiency due to JAK3 deficiency. Also called: SCID, autosomal recessive, T-negative/B-positive type; SCID, T CELL-NEGATIVE, B CELL-POSITIVE, NK CELL-NEGATIVE. Identifiers: Orphanet 35078, MedGen C1833275, MONDO:0010938, OMIM 600802.

gnomAD v4.1: 1 of 1,614,060 alleles (0.000062%); highest among the groups gnomAD compares: African/African-American, 0.0013%; no homozygotes.

Submissions (2):

Labcorp Genetics (formerly Invitae), Labcorp
Classification: Uncertain significance for T-B+ severe combined immunodeficiency due to JAK3 deficiency. Last evaluated: 2026-02-02. Review status: criteria provided, single submitter. Criteria: Invitae Variant Classification Sherloc (09022015). Collection method: clinical testing. Allele origin: germline.
Comment: This sequence change replaces leucine, which is neutral and non-polar, with proline, which is neutral and non-polar, at codon 654 of the JAK3 protein (p.Leu654Pro). This variant is present in population databases (no rsID available, gnomAD 0.01%). This missense change has been observed in individual(s) with inborn errors of immunity (PMID: 39052144). Invitae Evidence Modeling of protein sequence and biophysical properties (such as structural, functional, and spatial information, amino acid conservation, physicochemical variation, residue mobility, and thermodynamic stability) indicates that this missense variant is expected to disrupt JAK3 protein function with a positive predictive value of 95%. In summary, the available evidence is currently insufficient to determine the role of this variant in disease. Therefore, it has been classified as a Variant of Uncertain Significance.

Women's Health and Genetics/Laboratory Corporation of America, LabCorp
Classification: Uncertain significance. Last evaluated: 2025-12-30. Review status: criteria provided, single submitter. Criteria: LabCorp Variant Classification Summary - May 2015. Collection method: clinical testing. Allele origin: germline.
Comment: Variant summary: JAK3 c.1961T>C (p.Leu654Pro) results in a non-conservative amino acid change in the encoded protein sequence. Algorithms developed to predict the effect of missense changes on protein structure and function all suggest that this variant is likely to be disruptive. The variant was absent in 251044 control chromosomes. The available data on variant occurrences in the general population are insufficient to allow any conclusion about variant significance. c.1961T>C has been observed as a biallelic compound heterozygous genotype in at-least one individual(s) reportedly affected with Severe Combined Immunodeficiency (example, Kuzmenko_2024). These data do not allow any conclusion about variant significance. To our knowledge, no experimental evidence demonstrating an impact on protein function has been reported. The following publication has been ascertained in the context of this evaluation (PMID: 39052144). No submitters have cited clinical-significance assessments for this variant to ClinVar. Based on the evidence outlined above, the variant was classified as uncertain significance.

Literature cited by the submitters: PubMed 39052144 (cited by Labcorp Genetics (formerly Invitae), Labcorp and Women's Health and Genetics/Laboratory Corporation of America, LabCorp).

NM_000215.4(JAK3):c.1961T>C (p.Leu654Pro)

Gene: JAK3 (Janus kinase 3; minus strand). Cytogenetic location: 19p13.11.
Variant type: single nucleotide variant.
Coding change: c.1961T>C on transcript NM_000215.4 (MANE Select); coding-DNA position 1961, T replaced by C.
Protein change: p.Leu654Pro; replaces leucine 654 with proline.
Molecular consequence: missense variant.
Genome position (GRCh38, 1-based): chr19:17,835,169, A>G on the plus strand (T>C on the coding strand, the complement: JAK3 is on the minus strand). VCF-style: chr19-17835169-A-G. GRCh37 (hg19) VCF-style: chr19-17945978-A-G.
Other names: c.1961T>C, p.Leu654Pro (NM_001440439.1); short protein forms L654P.
Identifiers: ClinVar variation 4688516 (VCV004688516.2).